The following is an entry in ClinVar:

ClinVar aggregate classification (germline): Uncertain significance (1 of 4 stars; one submission).

Conditions:
Hereditary cancer-predisposing syndrome. Also called: Tumor predisposition; Neoplastic Syndromes, Hereditary; Hereditary Cancer Syndrome; Hereditary neoplastic syndrome. Identifiers: Orphanet 140162, MedGen C0027672, MeSH D009386, MONDO:0015356.

Submission:

Ambry Genetics
Classification: Uncertain significance for Hereditary cancer-predisposing syndrome. Last evaluated: 2025-01-08. Review status: criteria provided, single submitter. Criteria: Ambry Variant Classification Scheme 2023. Collection method: clinical testing. Allele origin: germline.
Comment: The p.S130R variant (also known as c.388A>C), located in coding exon 1 of the MEN1 gene, results from an A to C substitution at nucleotide position 388. The serine at codon 130 is replaced by arginine, an amino acid with dissimilar properties. This amino acid position is conserved. In addition, this alteration is predicted to be deleterious by in silico analysis. Based on the available evidence, the clinical significance of this variant remains unclear.

NM_001370259.2(MEN1):c.388A>C (p.Ser130Arg)

Gene: MEN1 (menin 1; minus strand). Cytogenetic location: 11q13.1.
Variant type: single nucleotide variant.
Coding change: c.388A>C on transcript NM_001370259.2 (MANE Select); coding-DNA position 388, A replaced by C.
Protein change: p.Ser130Arg; replaces serine 130 with arginine.
Molecular consequence: missense variant. On other transcripts: non-coding transcript variant (4).
Genome position (GRCh38, 1-based): chr11:64,809,722, T>G on the plus strand (A>C on the coding strand, the complement: MEN1 is on the minus strand). VCF-style: chr11-64809722-T-G. GRCh37 (hg19) VCF-style: chr11-64577194-T-G.
Other names: c.388A>C, p.Ser130Arg (NM_000244.4, NM_001370251.2, NM_001370260.2 and 20 more transcripts); short protein forms S130R.
Identifiers: ClinVar variation 3872243 (VCV003872243.1).